The following is an entry in ClinVar:

NM_052813.5(CARD9):c.1276G>A (p.Asp426Asn)

Gene: CARD9 (caspase recruitment domain family member 9; minus strand). Cytogenetic location: 9q34.3.
Variant type: single nucleotide variant.
Coding change: c.1276G>A on transcript NM_052813.5 (MANE Select); coding-DNA position 1276, G replaced by A.
Protein change: p.Asp426Asn; replaces aspartic acid 426 with asparagine.
Molecular consequence: missense variant.
Genome position (GRCh38, 1-based): chr9:136,367,251, C>T on the plus strand (G>A on the coding strand, the complement: CARD9 is on the minus strand). VCF-style: chr9-136367251-C-T. GRCh37 (hg19) VCF-style: chr9-139261703-C-T.
Other names: c.1276G>A, p.Asp426Asn (NM_052814.4); short protein forms D426N.
Identifiers: ClinVar variation 945676 (VCV000945676.7), dbSNP rs770587024, ClinGen allele CA5332738.

ClinVar aggregate classification (germline): Uncertain significance (1 of 4 stars; one submission).

Conditions:
Predisposition to invasive fungal disease due to CARD9 deficiency (IMD103). Also called: IMMUNODEFICIENCY 103, SUSCEPTIBILITY TO FUNGAL INFECTIONS; Candidiasis, familial, 2, autosomal recessive; CARD9 IMMUNODEFICIENCY. Identifiers: Orphanet 457088, MedGen C1859353, MONDO:0008905, OMIM 212050.

Allele frequency attached by ClinVar (database versions not stated): gnomAD 0.00001; TOPMed 0.00002; gnomAD exomes 0.00003; ExAC 0.00005.

Submission:

Labcorp Genetics (formerly Invitae), Labcorp
Classification: Uncertain significance for Predisposition to invasive fungal disease due to CARD9 deficiency. Last evaluated: 2022-08-21. Review status: criteria provided, single submitter. Criteria: Invitae Variant Classification Sherloc (09022015). Collection method: clinical testing. Allele origin: germline.
Comment: This sequence change replaces aspartic acid, which is acidic and polar, with asparagine, which is neutral and polar, at codon 426 of the CARD9 protein (p.Asp426Asn). This variant is present in population databases (rs770587024, gnomAD 0.01%). This variant has not been reported in the literature in individuals affected with CARD9-related conditions. ClinVar contains an entry for this variant (Variation ID: 945676). Algorithms developed to predict the effect of missense changes on protein structure and function are either unavailable or do not agree on the potential impact of this missense change (SIFT: "Deleterious"; PolyPhen-2: "Probably Damaging"; Align-GVGD: "Class C0"). In summary, the available evidence is currently insufficient to determine the role of this variant in disease. Therefore, it has been classified as a Variant of Uncertain Significance.